The following is an entry in ClinVar:

NM_001012759.3(CTU2):c.1353-5C>T

Gene: CTU2 (cytosolic thiouridylase subunit 2; plus strand). Cytogenetic location: 16q24.3.
Variant type: single nucleotide variant.
Coding change: c.1353-5C>T on transcript NM_001012759.3 (MANE Select); 5 bases into the intron before coding-DNA position 1353, C replaced by T.
Molecular consequence: intron variant.
Genome position (GRCh38, 1-based): chr16:88,714,855, C>T. VCF-style: chr16-88714855-C-T. GRCh37 (hg19) VCF-style: chr16-88781263-C-T.
Other names: c.1566-5C>T (NM_001318507.2); c.1353-5C>T (NM_001012762.3); c.1092-5C>T (NM_001318513.2).
Identifiers: ClinVar variation 1653643 (VCV001653643.32), dbSNP rs200806660, ClinGen allele CA8231071.

ClinVar aggregate classification (germline): Likely benign. Review status: criteria provided, multiple submitters, no conflicts (2 of 4 stars). 3 submissions from 3 submitters: Likely benign (3). Last evaluated 2025-02-13.

Allele frequency attached by ClinVar (database versions not stated): ESP Exome Variant Server 0.00015; 1000 Genomes Project 30x 0.00016; ExAC 0.00016; gnomAD exomes 0.00016; gnomAD 0.00017 and 0.00018; 1000 Genomes Project 0.00020; TOPMed 0.00022.
gnomAD v4.1: 310 of 1,612,592 alleles (0.019%); highest among the groups gnomAD compares: Non-Finnish European, 0.022%; no homozygotes.

Submissions (3):

Labcorp Genetics (formerly Invitae), Labcorp
Classification: Likely benign. Last evaluated: 2025-02-13. Review status: criteria provided, single submitter. Criteria: Invitae Variant Classification Sherloc (09022015). Collection method: clinical testing. Allele origin: germline.

CeGaT Center for Human Genetics Tuebingen
Classification: Likely benign. Last evaluated: 2022-07-01. Review status: criteria provided, single submitter. Criteria: CeGaT Center For Human Genetics Tuebingen Variant Classification Criteria Version 2. Collection method: clinical testing. Allele origin: germline. Affected: yes. Observed: 1 variant allele.
Comment: CTU2: BP4

Breakthrough Genomics
Classification: Likely benign. Review status: criteria provided, single submitter. Criteria: ACMG Guidelines, 2015. Collection method: not provided. Allele origin: germline. Inheritance: Autosomal recessive inheritance. Affected: yes.